The following is an entry in ClinVar:

NM_001369369.1(FOXN1):c.466G>C (p.Glu156Gln)

Gene: FOXN1 (forkhead box N1; plus strand). Cytogenetic location: 17q11.2.
Variant type: single nucleotide variant.
Coding change: c.466G>C on transcript NM_001369369.1 (MANE Select); coding-DNA position 466, G replaced by C.
Protein change: p.Glu156Gln; replaces glutamic acid 156 with glutamine.
Molecular consequence: missense variant.
Genome position (GRCh38, 1-based): chr17:28,524,845, G>C. VCF-style: chr17-28524845-G-C. GRCh37 (hg19) VCF-style: chr17-26851863-G-C.
Other names: c.466G>C, p.Glu156Gln (NM_003593.3); short protein forms E156Q.
Identifiers: ClinVar variation 4710639 (VCV004710639.1).
Genomic context (GRCh38, chr17:28,524,845, plus strand): 5'-CCAGAGGCCGAGACCACCCTGGCCCTCAAAGGACACTCCTTTAAGACCCCAGGGCCGCTG[G>C]AGGCCTTCGAGGAGATCCCAGTGGACGTGGCGGAGGCCGAGGCCTTCCTGCCTGGCTTCT-3'
Protein context (NP_001356298.1, residues 146-166): GHSFKTPGPL[Glu156Gln]AFEEIPVDVA

ClinVar aggregate classification (germline): Uncertain significance (1 of 4 stars; one submission).

Conditions:
T-cell immunodeficiency, congenital alopecia, and nail dystrophy. Also called: Congenital alopecia and nail dystrophy associated with severe functional T-cell immunodeficiency; Pignata Guarino syndrome. Identifiers: Orphanet 169095, MedGen C1866426, MONDO:0011132, OMIM 601705.

gnomAD v4.1: 1 of 1,613,786 alleles (0.000062%); highest among the groups gnomAD compares: Non-Finnish European, 0.000085%; no homozygotes.

Submission:

Labcorp Genetics (formerly Invitae), Labcorp
Classification: Uncertain significance for T-cell immunodeficiency, congenital alopecia, and nail dystrophy. Last evaluated: 2025-05-26. Review status: criteria provided, single submitter. Criteria: Invitae Variant Classification Sherloc (09022015). Collection method: clinical testing. Allele origin: germline.
Comment: This sequence change replaces glutamic acid, which is acidic and polar, with glutamine, which is neutral and polar, at codon 156 of the FOXN1 protein (p.Glu156Gln). This variant is not present in population databases (gnomAD no frequency). This variant has not been reported in the literature in individuals affected with FOXN1-related conditions. Invitae Evidence Modeling of protein sequence and biophysical properties (such as structural, functional, and spatial information, amino acid conservation, physicochemical variation, residue mobility, and thermodynamic stability) indicates that this missense variant is not expected to disrupt FOXN1 protein function with a negative predictive value of 80%. In summary, the available evidence is currently insufficient to determine the role of this variant in disease. Therefore, it has been classified as a Variant of Uncertain Significance.